The following is an entry in ClinVar:

NM_182493.3(MYLK3):c.1762G>A (p.Val588Ile)

Gene: MYLK3 (myosin light chain kinase 3; minus strand). Cytogenetic location: 16q11.2.
Variant type: single nucleotide variant.
Coding change: c.1762G>A on transcript NM_182493.3 (MANE Select); coding-DNA position 1762, G replaced by A.
Protein change: p.Val588Ile; replaces valine 588 with isoleucine.
Molecular consequence: missense variant.
Genome position (GRCh38, 1-based): chr16:46,729,034, C>T on the plus strand (G>A on the coding strand, the complement: MYLK3 is on the minus strand). VCF-style: chr16-46729034-C-T. GRCh37 (hg19) VCF-style: chr16-46762946-C-T.
Other names: c.739G>A, p.Val247Ile (NM_001308301.1); short protein forms V247I, V588I.
Identifiers: ClinVar variation 2873886 (VCV002873886.3), dbSNP rs2548904336, ClinGen allele CA395790068.

ClinVar aggregate classification (germline): Uncertain significance (1 of 4 stars; one submission).

Allele frequency attached by ClinVar (database versions not stated): gnomAD exomes below 0.00001.
gnomAD v4.1: 2 of 1,613,942 alleles (0.00012%); highest among the groups gnomAD compares: East Asian, 0.0022%; no homozygotes.

Submission:

Labcorp Genetics (formerly Invitae), Labcorp
Classification: Uncertain significance. Last evaluated: 2023-10-13. Review status: criteria provided, single submitter. Criteria: Invitae Variant Classification Sherloc (09022015). Collection method: clinical testing. Allele origin: germline.
Comment: This sequence change replaces valine, which is neutral and non-polar, with isoleucine, which is neutral and non-polar, at codon 588 of the MYLK3 protein (p.Val588Ile). This variant is not present in population databases (gnomAD no frequency). This variant has not been reported in the literature in individuals affected with MYLK3-related conditions. Algorithms developed to predict the effect of missense changes on protein structure and function output the following: SIFT: "Not Available"; PolyPhen-2: "Benign"; Align-GVGD: "Not Available". The isoleucine amino acid residue is found in multiple mammalian species, which suggests that this missense change does not adversely affect protein function. In summary, the available evidence is currently insufficient to determine the role of this variant in disease. Therefore, it has been classified as a Variant of Uncertain Significance.